The following is an entry in ClinVar:

NM_144573.4(NEXN):c.598G>C (p.Glu200Gln)

Gene: NEXN (nexilin F-actin binding protein; plus strand). Cytogenetic location: 1p31.1.
Variant type: single nucleotide variant.
Coding change: c.598G>C on transcript NM_144573.4 (MANE Select); coding-DNA position 598, G replaced by C.
Protein change: p.Glu200Gln; replaces glutamic acid 200 with glutamine.
Molecular consequence: missense variant.
Genome position (GRCh38, 1-based): chr1:77,926,522, G>C. VCF-style: chr1-77926522-G-C. GRCh37 (hg19) VCF-style: chr1-78392207-G-C.
Other names: c.406G>C, p.Glu136Gln (NM_001172309.2); short protein forms E200Q, E136Q.
Identifiers: ClinVar variation 3299399 (VCV003299399.1).
Genomic context (GRCh38, chr1:77,926,522, plus strand): 5'-AAAACATCTGGAAAAATGAAAAAGAATTTTGAGGATCTAGAAAAAGAACGTGAAGAGAAA[G>C]AAAGGATCAAGTACGAGGAAGATAAAAGAATAAGATATGAAGAACAACGACCATCTCTCA-3'
Protein context (NP_653174.3, residues 190-210): EDLEKEREEK[Glu200Gln]RIKYEEDKRI

ClinVar aggregate classification (germline): Uncertain significance (1 of 4 stars; one submission).

Conditions:
Cardiovascular phenotype. Identifiers: MedGen CN230736.

Submission:

Ambry Genetics
Classification: Uncertain significance for Cardiovascular phenotype. Last evaluated: 2024-05-07. Review status: criteria provided, single submitter. Criteria: Ambry Variant Classification Scheme 2023. Collection method: clinical testing. Allele origin: germline.
Comment: The p.E200Q variant (also known as c.598G>C), located in coding exon 6 of the NEXN gene, results from a G to C substitution at nucleotide position 598. The glutamic acid at codon 200 is replaced by glutamine, an amino acid with highly similar properties. This amino acid position is conserved. In addition, this alteration is predicted to be tolerated by in silico analysis. Based on the available evidence, the clinical significance of this variant remains unclear.